The following is an entry in ClinVar:

NM_012330.4(KAT6B):c.4849C>G (p.Pro1617Ala)

Gene: KAT6B (lysine acetyltransferase 6B; plus strand). Cytogenetic location: 10q22.2.
Variant type: single nucleotide variant.
Coding change: c.4849C>G on transcript NM_012330.4 (MANE Select); coding-DNA position 4849, C replaced by G.
Protein change: p.Pro1617Ala; replaces proline 1617 with alanine.
Molecular consequence: missense variant.
Genome position (GRCh38, 1-based): chr10:75,029,673, C>G. VCF-style: chr10-75029673-C-G. GRCh37 (hg19) VCF-style: chr10-76789431-C-G.
Other names: c.4300C>G, p.Pro1434Ala (NM_001256468.2, NM_001370138.1); c.3973C>G, p.Pro1325Ala (NM_001256469.2, NM_001370139.1, NM_001370140.1 and 2 more transcripts); c.3811C>G, p.Pro1271Ala (NM_001370132.1); c.3160C>G, p.Pro1054Ala (NM_001370133.1); c.2764C>G, p.Pro922Ala (NM_001370134.1); c.2506C>G, p.Pro836Ala (NM_001370135.1); c.4849C>G, p.Pro1617Ala (NM_001370136.1, NM_001370137.1); c.3784C>G, p.Pro1262Ala (NM_001370143.1, NM_001370144.1); short protein forms P1054A, P1262A, P1271A, P1325A, P1434A, P1617A, P836A, P922A.
Identifiers: ClinVar variation 3371454 (VCV003371454.1).

ClinVar aggregate classification (germline): Uncertain significance (1 of 4 stars; one submission).

Submission:

GeneDx
Classification: Uncertain significance. Last evaluated: 2024-03-25. Review status: criteria provided, single submitter. Criteria: GeneDx Variant Classification Process June 2021. Collection method: clinical testing. Allele origin: germline. Affected: yes.
Comment: Not observed at significant frequency in large population cohorts (gnomAD); In silico analysis supports that this missense variant has a deleterious effect on protein structure/function; Has not been previously published as pathogenic or benign to our knowledge